The following is an entry in ClinVar:

NM_001111.5(ADAR):c.2653G>A (p.Val885Ile)

Genes: ADAR (adenosine deaminase RNA specific; minus strand), LOC126805874 (CDK7 strongly-dependent group 2 enhancer GRCh37_chr1:154561176-154562375; plus strand). Cytogenetic location: 1q21.3.
Variant type: single nucleotide variant.
Coding change: c.2653G>A on transcript NM_001111.5 (MANE Select); coding-DNA position 2653, G replaced by A.
Protein change: p.Val885Ile; replaces valine 885 with isoleucine.
Molecular consequence: missense variant.
Genome position (GRCh38, 1-based): chr1:154,589,772, C>T on the plus strand (G>A on the coding strand, the complement: ADAR is on the minus strand). VCF-style: chr1-154589772-C-T. GRCh37 (hg19) VCF-style: chr1-154562248-C-T.
Other names: c.1768G>A, p.Val590Ile (NM_001025107.3, NM_001193495.2, NM_001365046.1 and 2 more transcripts); c.2680G>A, p.Val894Ile (NM_001365045.1); c.1690G>A, p.Val564Ile (NM_001365049.1); c.2575G>A, p.Val859Ile (NM_015840.4); c.2518G>A, p.Val840Ile (NM_015841.4); short protein forms V564I, V590I, V885I, V840I, V859I, V894I.
Identifiers: ClinVar variation 2927323 (VCV002927323.3), dbSNP rs772025392, ClinGen allele CA1131204.

ClinVar aggregate classification (germline): Uncertain significance (1 of 4 stars; one submission).

Conditions:
Symmetrical dyschromatosis of extremities (DSH). Also called: RETICULATE ACROPIGMENTATION OF DOHI; SYMMETRIC DYSCHROMATOSIS OF THE EXTREMITIES; Dyschromatosis symmetrica hereditaria; DYSCHROMATOSIS SYMMETRICA HEREDITARIA 1. Identifiers: Orphanet 41, MedGen C0406775, MONDO:0007483, OMIM 127400.
Aicardi-Goutieres syndrome 6 (AGS6). Identifiers: Orphanet 51, MedGen C3539013, MONDO:0014007, OMIM 615010.

Allele frequency attached by ClinVar (database versions not stated): TOPMed 0.00002; gnomAD exomes 0.00001; ExAC 0.00001; gnomAD 0.00001.
gnomAD v4.1: 20 of 1,613,948 alleles (0.0012%); highest among the groups gnomAD compares: African/African-American, 0.0013%; no homozygotes.

Submission:

Labcorp Genetics (formerly Invitae), Labcorp
Classification: Uncertain significance for Aicardi-Goutieres syndrome 6; Symmetrical dyschromatosis of extremities. Last evaluated: 2025-02-24. Review status: criteria provided, single submitter. Criteria: Invitae Variant Classification Sherloc (09022015). Collection method: clinical testing. Allele origin: germline.
Comment: This sequence change replaces valine, which is neutral and non-polar, with isoleucine, which is neutral and non-polar, at codon 885 of the ADAR protein (p.Val885Ile). This variant is present in population databases (rs772025392, gnomAD 0.02%). This variant has not been reported in the literature in individuals affected with ADAR-related conditions. ClinVar contains an entry for this variant (Variation ID: 2927323). Invitae Evidence Modeling of protein sequence and biophysical properties (such as structural, functional, and spatial information, amino acid conservation, physicochemical variation, residue mobility, and thermodynamic stability) indicates that this missense variant is not expected to disrupt ADAR protein function with a negative predictive value of 80%. In summary, the available evidence is currently insufficient to determine the role of this variant in disease. Therefore, it has been classified as a Variant of Uncertain Significance.